The following is an entry in ClinVar:

NM_178857.6(RP1L1):c.2991C>G (p.Asp997Glu)

Gene: RP1L1 (RP1 like 1). Cytogenetic location: 8p23.1.
Variant type: single nucleotide variant.
Coding change: c.2991C>G on transcript NM_178857.6 (MANE Select); coding-DNA position 2991, C replaced by G.
Protein change: p.Asp997Glu; replaces aspartic acid 997 with glutamic acid.
Molecular consequence: missense variant.
Genome position (GRCh38, 1-based): chr8:10,611,107, G>C on the plus strand (C>G on the coding strand, the complement: RP1L1 is on the minus strand). VCF-style: chr8-10611107-G-C. GRCh37 (hg19) VCF-style: chr8-10468617-G-C.
Other names: short protein forms D997E.
Identifiers: ClinVar variation 361325 (VCV000361325.7), dbSNP rs188482891, ClinGen allele CA4624630.

ClinVar aggregate classification (germline): Conflicting classifications of pathogenicity. Review status: criteria provided, conflicting classifications (1 of 4 stars). 3 submissions from 3 submitters: Uncertain significance (2); Benign (1). Last evaluated 2023-12-22.

Conditions:
Occult macular dystrophy (OCMD). Also called: OMD; OCCULT MACULAR DYSTROPHY, SUSCEPTIBILITY TO. Identifiers: Orphanet 247834, MedGen C3150833, MONDO:0013316, OMIM 613587, HP:0030636.
Inborn genetic diseases. Identifiers: MedGen C0950123, MeSH D030342.

Allele frequency attached by ClinVar (database versions not stated): gnomAD 0.00003; gnomAD exomes 0.00007; TOPMed 0.00007; ExAC 0.00010; 1000 Genomes Project 0.00020; 1000 Genomes Project 30x 0.00031.
gnomAD v4.1: 48 of 1,612,868 alleles (0.003%); highest among the groups gnomAD compares: East Asian, 0.033%; no homozygotes.

Submissions (3):

Ambry Genetics
Classification: Uncertain significance for Inborn genetic diseases. Last evaluated: 2023-12-22. Review status: criteria provided, single submitter. Criteria: Ambry Variant Classification Scheme 2023. Collection method: clinical testing. Allele origin: germline.

Blueprint Genetics
Classification: Uncertain significance. Last evaluated: 2022-06-20. Review status: criteria provided, single submitter. Criteria: ACMG Guidelines, 2015. Collection method: clinical testing. Allele origin: germline.

Illumina Laboratory Services, Illumina
Classification: Benign for Occult macular dystrophy. Last evaluated: 2018-01-12. Review status: criteria provided, single submitter. Criteria: ICSL Variant Classification Criteria 13 December 2019. Collection method: clinical testing. Allele origin: germline.
Comment: This variant was observed in the ICSL laboratory as part of a predisposition screen in an ostensibly healthy population. It had not been previously curated by ICSL or reported in the Human Gene Mutation Database (HGMD: prior to June 1st, 2018), and was therefore a candidate for classification through an automated scoring system. Utilizing variant allele frequency, disease prevalence and penetrance estimates, and inheritance mode, an automated score was calculated to assess if this variant is too frequent to cause the disease. Based on the score and internal cut-off values, a variant classified as benign is not then subjected to further curation. The score for this variant resulted in a classification of benign for this disease.